The following is an entry in ClinVar:

ClinVar aggregate classification (germline): Uncertain significance. Review status: criteria provided, multiple submitters, no conflicts (2 of 4 stars). 2 submissions from 2 submitters: Uncertain significance (2). Last evaluated 2023-11-22.

Conditions:
Hereditary cancer-predisposing syndrome. Also called: Neoplastic Syndromes, Hereditary; Tumor predisposition; Hereditary neoplastic syndrome; Hereditary Cancer Syndrome. Identifiers: Orphanet 140162, MedGen C0027672, MeSH D009386, MONDO:0015356.

Submissions (2):

Ambry Genetics
Classification: Uncertain significance for Hereditary cancer-predisposing syndrome. Last evaluated: 2023-11-22. Review status: criteria provided, single submitter. Criteria: Ambry Variant Classification Scheme 2023. Collection method: clinical testing. Allele origin: germline.
Comment: The p.M1111R variant (also known as c.3332T>G), located in coding exon 21 of the RAD50 gene, results from a T to G substitution at nucleotide position 3332. The methionine at codon 1111 is replaced by arginine, an amino acid with similar properties. This amino acid position is conserved. In addition, this alteration is predicted to be deleterious by in silico analysis. Since supporting evidence is limited at this time, the clinical significance of this alteration remains unclear.

Labcorp Genetics (formerly Invitae), Labcorp
Classification: Uncertain significance for Hereditary cancer-predisposing syndrome. Last evaluated: 2023-05-27. Review status: criteria provided, single submitter. Criteria: Invitae Variant Classification Sherloc (09022015). Collection method: clinical testing. Allele origin: germline.
Comment: In summary, the available evidence is currently insufficient to determine the role of this variant in disease. Therefore, it has been classified as a Variant of Uncertain Significance. Advanced modeling of protein sequence and biophysical properties (such as structural, functional, and spatial information, amino acid conservation, physicochemical variation, residue mobility, and thermodynamic stability) performed at Invitae indicates that this missense variant is expected to disrupt RAD50 protein function. ClinVar contains an entry for this variant (Variation ID: 1368392). This variant has not been reported in the literature in individuals affected with RAD50-related conditions. This variant is not present in population databases (gnomAD no frequency). This sequence change replaces methionine, which is neutral and non-polar, with arginine, which is basic and polar, at codon 1111 of the RAD50 protein (p.Met1111Arg).

NM_005732.4(RAD50):c.3332T>G (p.Met1111Arg)

Gene: RAD50 (RAD50 double strand break repair protein; plus strand). Cytogenetic location: 5q31.1.
Variant type: single nucleotide variant.
Coding change: c.3332T>G on transcript NM_005732.4 (MANE Select); coding-DNA position 3332, T replaced by G.
Protein change: p.Met1111Arg; replaces methionine 1111 with arginine.
Molecular consequence: missense variant.
Genome position (GRCh38, 1-based): chr5:132,618,237, T>G. VCF-style: chr5-132618237-T-G. GRCh37 (hg19) VCF-style: chr5-131953929-T-G.
Other names: c.3332T>G (NM_005732.3); short protein forms M1111R.
Identifiers: ClinVar variation 1368392 (VCV001368392.9), dbSNP rs2149853957, ClinGen allele CA360964900.